The following is an entry in ClinVar:

ClinVar aggregate classification (germline): Likely benign. Review status: criteria provided, multiple submitters, no conflicts (2 of 4 stars). 3 submissions from 3 submitters: Likely benign (3). Last evaluated 2026-08-04.

Conditions:
BTD-related disorder. Also called: BTD-related condition.
Biotinidase deficiency. Also called: BTD deficiency; Late-onset biotin-responsive multiple carboxylase deficiency; Biotin deficiency. Identifiers: Orphanet 79241, MedGen C0220754, MONDO:0009665, OMIM 253260.

Allele frequency attached by ClinVar (database versions not stated): ExAC 0.00001; gnomAD exomes 0.00001 and 0.00003; TOPMed 0.00002.
gnomAD v4.1: 8 of 1,614,140 alleles (0.0005%); highest among the groups gnomAD compares: Admixed American, 0.013%; no homozygotes.

Submissions (3):

PreventionGenetics, part of Exact Sciences
Classification: Likely benign for BTD-related condition. Last evaluated: 2026-08-04. Review status: criteria provided, single submitter. Criteria: ACMG Guidelines, 2015. Collection method: clinical testing. Allele origin: germline.
Comment: This variant is classified as likely benign based on ACMG/AMP sequence variant interpretation guidelines (Richards et al. 2015 PMID: 25741868, with internal and published modifications).

Labcorp Genetics (formerly Invitae), Labcorp
Classification: Likely benign for Biotinidase deficiency. Last evaluated: 2026-01-05. Review status: criteria provided, single submitter. Criteria: Invitae Variant Classification Sherloc (09022015). Collection method: clinical testing. Allele origin: germline.

Women's Health and Genetics/Laboratory Corporation of America, LabCorp
Classification: Likely benign. Last evaluated: 2022-04-27. Review status: criteria provided, single submitter. Criteria: LabCorp Variant Classification Summary - May 2015. Collection method: clinical testing. Allele origin: germline.

NM_001370658.1(BTD):c.1456C>T (p.Leu486=)

Gene: BTD (biotinidase; plus strand). Cytogenetic location: 3p25.1.
Variant type: single nucleotide variant.
Coding change: c.1456C>T on transcript NM_001370658.1 (MANE Select); coding-DNA position 1456, C replaced by T.
Protein change: p.Leu486=; no amino-acid change (leucine 486 retained).
Molecular consequence: synonymous variant. On other transcripts: intron variant (8).
Genome position (GRCh38, 1-based): chr3:15,645,372, C>T. VCF-style: chr3-15645372-C-T. GRCh37 (hg19) VCF-style: chr3-15686879-C-T.
Other names: c.1516C>T (NM_000060.4); c.1456C>T, p.Leu486= (NM_001281723.4, NM_001281724.3, NM_001281725.3 and 16 more transcripts); c.1015+441C>T (NM_001370752.1, NM_001407379.1); c.399+3315C>T (NM_001370753.1, NM_001407400.1, NM_001407380.1 and 3 more transcripts).
Identifiers: ClinVar variation 528479 (VCV000528479.11), dbSNP rs774018881, ClinGen allele CA2277485.